The following is an entry in ClinVar:

NM_001243212.2(CCER2):c.688_690del (p.Lys230del)

Gene: CCER2 (coiled-coil glutamate rich protein 2; minus strand). Cytogenetic location: 19q13.2.
Variant type: Deletion.
Coding change: c.688_690del on transcript NM_001243212.2 (MANE Select); coding-DNA positions 688 to 690, 3 bases deleted (AAG; older notation c.688_690delAAG).
Protein change: p.Lys230del; deletes lysine 230.
Molecular consequence: inframe deletion.
Genome position (GRCh38, 1-based): chr19:38,910,584-38,910,586, CTT deleted on the plus strand (AAG on the coding strand, the reverse complement: CCER2 is on the minus strand); deleting any 3 consecutive bases within chr19:38,910,584-38,910,588 gives the same sequence; the c. name uses the placement nearest the transcript's 3' end. VCF-style (leftmost placement, unchanged base first): chr19-38910583-CCTT-C. GRCh37 (hg19) VCF-style: chr19-39401223-CCTT-C.
Other names: short protein forms K230del.
Identifiers: ClinVar variation 4754846 (VCV004754846.1).

ClinVar aggregate classification (germline): Uncertain significance (1 of 4 stars; one submission).

Submission:

Labcorp Genetics (formerly Invitae), Labcorp
Classification: Uncertain significance. Last evaluated: 2025-03-09. Review status: criteria provided, single submitter. Criteria: Invitae Variant Classification Sherloc (09022015). Collection method: clinical testing. Allele origin: germline.
Comment: This variant, c.688_690del, results in the deletion of 1 amino acid(s) of the CCER2 protein (p.Lys230del), but otherwise preserves the integrity of the reading frame. This variant is present in population databases (no rsID available, gnomAD 0.1%), and has an allele count higher than expected for a pathogenic variant. This variant has not been reported in the literature in individuals affected with CCER2-related conditions. Experimental studies and prediction algorithms are not available or were not evaluated, and the functional significance of this variant is currently unknown. In summary, the available evidence is currently insufficient to determine the role of this variant in disease. Therefore, it has been classified as a Variant of Uncertain Significance.